The following is an entry in ClinVar:

NM_001394372.1(BICRA):c.3907C>T (p.Arg1303Trp)

Gene: BICRA (BRD4 interacting chromatin remodeling complex associated protein; plus strand). Cytogenetic location: 19q13.33.
Variant type: single nucleotide variant.
Coding change: c.3907C>T on transcript NM_001394372.1 (MANE Select); coding-DNA position 3907, C replaced by T.
Protein change: p.Arg1303Trp; replaces arginine 1303 with tryptophan.
Molecular consequence: missense variant.
Genome position (GRCh38, 1-based): chr19:47,701,639, C>T. VCF-style: chr19-47701639-C-T. GRCh37 (hg19) VCF-style: chr19-48204896-C-T.
Other names: c.3907C>T, p.Arg1303Trp (NM_015711.3); short protein forms R1303W.
Identifiers: ClinVar variation 2474509 (VCV002474509.2), dbSNP rs1159362884, ClinGen allele CA406614215.

ClinVar aggregate classification (germline): Uncertain significance (1 of 4 stars; one submission).

gnomAD v4.1: 17 of 1,589,588 alleles (0.0011%); highest among the groups gnomAD compares: Non-Finnish European, 0.0015%; no homozygotes.

Submission:

Ambry Genetics
Classification: Uncertain significance. Last evaluated: 2023-02-17. Review status: criteria provided, single submitter. Criteria: Ambry Variant Classification Scheme 2023. Collection method: clinical testing. Allele origin: germline.
Comment: The c.3907C>T (p.R1303W) alteration is located in exon 15 (coding exon 13) of the GLTSCR1 gene. This alteration results from a C to T substitution at nucleotide position 3907, causing the arginine (R) at amino acid position 1303 to be replaced by a tryptophan (W). Based on data from gnomAD, the T allele has an overall frequency of 0.001% (2/202368) total alleles studied. The highest observed frequency was 0.006% (1/17790) of European (Finnish) alleles. However, the BICRA c.3907C>T alteration was identified in additional alleles with low allele fraction in the Genome Aggregation Database (gnomAD). This amino acid position is well conserved in available vertebrate species. This alteration is predicted to be tolerated by in silico analysis. Based on insufficient or conflicting evidence, the clinical significance of this alteration remains unclear.